The following is an entry in ClinVar:

ClinVar aggregate classification (germline): Uncertain significance (1 of 4 stars; one submission).

Conditions:
Epileptic encephalopathy. Identifiers: MedGen C0543888, HP:0200134.

Allele frequency attached by ClinVar (database versions not stated): gnomAD exomes below 0.00001; gnomAD 0.00001; TOPMed 0.00001.
gnomAD v4.1: 4 of 1,588,108 alleles (0.00025%); highest among the groups gnomAD compares: Admixed American, 0.0053%; no homozygotes.

Submission:

Labcorp Genetics (formerly Invitae), Labcorp
Classification: Uncertain significance for Epileptic encephalopathy. Last evaluated: 2019-12-03. Review status: criteria provided, single submitter. Criteria: Invitae Variant Classification Sherloc (09022015). Collection method: clinical testing. Allele origin: germline.
Comment: Algorithms developed to predict the effect of missense changes on protein structure and function (SIFT, PolyPhen-2, Align-GVGD) all suggest that this variant is likely to be disruptive, but these predictions have not been confirmed by published functional studies and their clinical significance is uncertain. In summary, the available evidence is currently insufficient to determine the role of this variant in disease. Therefore, it has been classified as a Variant of Uncertain Significance. This variant has not been reported in the literature in individuals with RYR3-related conditions. This variant is not present in population databases (ExAC no frequency). This sequence change replaces glycine with glutamic acid at codon 934 of the RYR3 protein (p.Gly934Glu). The glycine residue is highly conserved and there is a moderate physicochemical difference between glycine and glutamic acid.

NM_001036.6(RYR3):c.2801G>A (p.Gly934Glu)

Gene: RYR3 (ryanodine receptor 3; plus strand). Cytogenetic location: 15q14.
Variant type: single nucleotide variant.
Coding change: c.2801G>A on transcript NM_001036.6 (MANE Select); coding-DNA position 2801, G replaced by A.
Protein change: p.Gly934Glu; replaces glycine 934 with glutamic acid.
Molecular consequence: missense variant.
Genome position (GRCh38, 1-based): chr15:33,631,227, G>A. VCF-style: chr15-33631227-G-A. GRCh37 (hg19) VCF-style: chr15-33923428-G-A.
Other names: c.2801G>A, p.Gly934Glu (NM_001243996.4); short protein forms G934E.
Identifiers: ClinVar variation 864719 (VCV000864719.9), dbSNP rs1464769762, ClinGen allele CA391571100.